The following is an entry in ClinVar:

ClinVar aggregate classification (germline): Pathogenic (1 of 4 stars; one submission).

Conditions:
Ehlers-Danlos syndrome due to tenascin-X deficiency (EDSCLL1). Also called: TNXB-Related Classical-Like Ehlers-Danlos Syndrome; Ehlers-Danlos syndrome, classic-like, 1; EHLERS-DANLOS SYNDROME, CLASSIC-LIKE; EDS DUE TO TNX DEFICIENCY; TNX DEFICIENCY. Identifiers: Orphanet 230839, MedGen C1848029, MONDO:0011670, OMIM 606408.

Submission:

Myriad Genetics, Inc.
Classification: Pathogenic for Ehlers-Danlos syndrome due to tenascin-X deficiency. Last evaluated: 2025-03-04. Review status: criteria provided, single submitter. Criteria: Myriad Autosomal Dominant, Autosomal Recessive and X-Linked Classification Criteria (2023). Collection method: clinical testing. Allele origin: unknown.
Comment: NM_019105.6(TNXB):c.2083delC(R695Gfs*12) is a frameshift variant classified as pathogenic in the context of classical-like Ehlers-Danlos syndrome, TNXB-related. R695Gfs*12 has not been observed in cases with relevant disease. Relevant functional assessments of this variant are not available in the literature. R695Gfs*12 has not been observed in referenced population frequency databases. In summary, NM_019105.6(TNXB):c.2083delC(R695Gfs*12) is a frameshift variant in a gene where loss of function is a known mechanism of disease and is predicted to disrupt protein function. Please note: this variant was assessed in the context of healthy population screening.

NM_001365276.2(TNXB):c.2083del (p.Arg695fs)

Gene: TNXB (tenascin XB; minus strand). Cytogenetic location: 6p21.33.
Variant type: Deletion.
Coding change: c.2083del on transcript NM_001365276.2 (MANE Select); coding-DNA position 2083, one base deleted (C; older notation c.2083delC).
Protein change: p.Arg695fs; shifts the reading frame from arginine 695.
Molecular consequence: frameshift variant.
Genome position (GRCh38, 1-based): chr6:32,095,770, G deleted on the plus strand (C on the coding strand, the reverse complement: TNXB is on the minus strand); the first of 4 consecutive G bases (chr6:32,095,770-32,095,773); deleting any one gives the same sequence. VCF-style (leftmost placement, unchanged base first): chr6-32095769-CG-C. GRCh37 (hg19) VCF-style: chr6-32063546-CG-C.
Other names: c.2083del, p.Arg695fs (NM_001428335.1, NM_019105.8); short protein forms R695fs.
Identifiers: ClinVar variation 4081808 (VCV004081808.1).
Genomic context (GRCh38, chr6:32,095,769, plus strand): 5'-GCACAGTCAGGGCCTCGGAAGCCCTCTACACACACACACTGGCCTGCCCGGCACAGTTCC[CG>C]GGGCCCGCAGCCTCCAGGGCAGGCGCTGGCTGGAGGCTCTTCCTGCCCGCAGTCCTCACC-3'